The following is an entry in ClinVar:

ClinVar aggregate classification (germline): Uncertain significance. Review status: criteria provided, multiple submitters, no conflicts (2 of 4 stars). 4 submissions from 4 submitters: Uncertain significance (4). Last evaluated 2026-09-11.

Conditions:
PCDH15-related disorder. Also called: PCDH15-related condition; PCDH15-related disorders.
Inborn genetic diseases. Identifiers: MedGen C0950123, MeSH D030342.

Allele frequency attached by ClinVar (database versions not stated): TOPMed 0.00013; ESP Exome Variant Server 0.00015; ExAC 0.00004; gnomAD 0.00013.
gnomAD v4.1: 77 of 1,612,232 alleles (0.0048%); highest among the groups gnomAD compares: African/African-American, 0.024%; no homozygotes.

Submissions (4):

PreventionGenetics, part of Exact Sciences
Classification: Uncertain significance for PCDH15-related condition. Last evaluated: 2026-09-11. Review status: criteria provided, single submitter. Criteria: ACMG Guidelines, 2015. Collection method: clinical testing. Allele origin: germline.
Comment: The PCDH15 c.875C>T variant is predicted to result in the amino acid substitution p.Pro292Leu. To our knowledge, this variant has not been reported in the literature. This variant is reported in 0.020% of alleles in individuals of African descent in gnomAD. At this time, the clinical significance of this variant is uncertain due to the absence of conclusive functional and genetic evidence.

Blueprint Genetics
Classification: Uncertain significance. Last evaluated: 2024-11-20. Review status: criteria provided, single submitter. Criteria: ACMG Guidelines, 2015. Collection method: clinical testing. Allele origin: germline.

Ambry Genetics
Classification: Uncertain significance for Inborn genetic diseases. Last evaluated: 2023-07-17. Review status: criteria provided, single submitter. Criteria: Ambry Variant Classification Scheme 2023. Collection method: clinical testing. Allele origin: germline.

Labcorp Genetics (formerly Invitae), Labcorp
Classification: Uncertain significance. Last evaluated: 2022-10-17. Review status: criteria provided, single submitter. Criteria: Invitae Variant Classification Sherloc (09022015). Collection method: clinical testing. Allele origin: germline.
Comment: This sequence change replaces proline, which is neutral and non-polar, with leucine, which is neutral and non-polar, at codon 292 of the PCDH15 protein (p.Pro292Leu). This variant is present in population databases (rs138744579, gnomAD 0.02%). This variant has not been reported in the literature in individuals affected with PCDH15-related conditions. Algorithms developed to predict the effect of missense changes on protein structure and function are either unavailable or do not agree on the potential impact of this missense change (SIFT: "Deleterious"; PolyPhen-2: "Probably Damaging"; Align-GVGD: "Class C0"). In summary, the available evidence is currently insufficient to determine the role of this variant in disease. Therefore, it has been classified as a Variant of Uncertain Significance.

NM_001384140.1(PCDH15):c.875C>T (p.Pro292Leu)

Gene: PCDH15 (protocadherin related 15; minus strand). Cytogenetic location: 10q21.1.
Variant type: single nucleotide variant.
Coding change: c.875C>T on transcript NM_001384140.1 (MANE Select); coding-DNA position 875, C replaced by T.
Protein change: p.Pro292Leu; replaces proline 292 with leucine.
Molecular consequence: missense variant.
Genome position (GRCh38, 1-based): chr10:54,317,272, G>A on the plus strand (C>T on the coding strand, the complement: PCDH15 is on the minus strand). VCF-style: chr10-54317272-G-A. GRCh37 (hg19) VCF-style: chr10-56077032-G-A.
Other names: c.890C>T, p.Pro297Leu (NM_001142771.2, NM_001142763.2, NM_001142769.4); c.875C>T, p.Pro292Leu (NM_001142772.2, NM_001354411.2, NM_001354420.2 and 7 more transcripts); c.809C>T, p.Pro270Leu (NM_001142773.2, NM_001354404.2, NM_001142768.2); c.764C>T, p.Pro255Leu (NM_001142767.2); short protein forms P255L, P292L, P270L, P297L.
Identifiers: ClinVar variation 2141601 (VCV002141601.5), dbSNP rs138744579, ClinGen allele CA5506574.